The following is an entry in ClinVar:

NM_001002294.3(FMO3):c.484+1G>A

Genes: FMO3 (flavin containing dimethylaniline monoxygenase 3; plus strand), LOC126805916 (BRD4-independent group 4 enhancer GRCh37_chr1:171076844-171078043; plus strand). Cytogenetic location: 1q24.3.
Variant type: single nucleotide variant.
Coding change: c.484+1G>A on transcript NM_001002294.3 (MANE Select); the canonical splice donor site of the intron after coding-DNA position 484, G replaced by A.
Molecular consequence: splice donor variant.
Genome position (GRCh38, 1-based): chr1:171,107,838, G>A. VCF-style: chr1-171107838-G-A. GRCh37 (hg19) VCF-style: chr1-171076979-G-A.
Other names: c.295+1G>A (NM_001319174.2); c.424+1G>A (NM_001319173.2); c.484+1G>A (NM_006894.6).
Identifiers: ClinVar variation 2841690 (VCV002841690.4), dbSNP rs778868969, ClinGen allele CA1240549.

ClinVar aggregate classification (germline): Likely pathogenic. Review status: criteria provided, multiple submitters, no conflicts (2 of 4 stars). 2 submissions from 2 submitters: Likely pathogenic (2). Last evaluated 2026-05-20.

Conditions:
Trimethylaminuria (TMAU). Also called: FISH-ODOR SYNDROME; Primary Trimethylaminuria; Fish malodor syndrome; Stale fish syndrome; TMAuria. Identifiers: MedGen C0342739, MONDO:0011182, OMIM 602079, HP:0003614. Disease mechanism: loss of function.

Allele frequency attached by ClinVar (database versions not stated): gnomAD exomes below 0.00001; ExAC 0.00001; gnomAD 0.00001; TOPMed 0.00001.
gnomAD v4.1: 3 of 1,613,530 alleles (0.00019%); highest among the groups gnomAD compares: Admixed American, 0.0017%; no homozygotes.

Submissions (2):

Myriad Genetics, Inc.
Classification: Likely pathogenic for Trimethylaminuria. Last evaluated: 2026-05-20. Review status: criteria provided, single submitter. Criteria: Myriad Autosomal Dominant, Autosomal Recessive and X-Linked Classification Criteria (2023). Collection method: clinical testing. Allele origin: unknown.
Comment: NM_001002294.2(FMO3):c.484+1G>A is a variant in a canonical splice site classified as likely pathogenic in the context of primary trimethylaminuria. c.484+1G>A has not been observed in cases with relevant disease. Relevant functional assessments of this variant are not available in the literature. c.484+1G>A has not been observed in referenced population frequency databases. In summary, NM_001002294.2(FMO3):c.484+1G>A is a variant in a canonical splice site in a gene where loss of function is a known mechanism of disease and is predicted to disrupt protein function. Please note: this variant was assessed in the context of healthy population screening.

Labcorp Genetics (formerly Invitae), Labcorp
Classification: Likely pathogenic. Last evaluated: 2023-12-31. Review status: criteria provided, single submitter. Criteria: Invitae Variant Classification Sherloc (09022015). Collection method: clinical testing. Allele origin: germline.
Comment: This sequence change affects a donor splice site in intron 4 of the FMO3 gene. It is expected to disrupt RNA splicing. Variants that disrupt the donor or acceptor splice site typically lead to a loss of protein function (PMID: 16199547), and loss-of-function variants in FMO3 are known to be pathogenic (PMID: 20301282). This variant is not present in population databases (gnomAD no frequency). This variant has not been reported in the literature in individuals affected with FMO3-related conditions. Algorithms developed to predict the effect of sequence changes on RNA splicing suggest that this variant may disrupt the consensus splice site. In summary, the currently available evidence indicates that the variant is pathogenic, but additional data are needed to prove that conclusively. Therefore, this variant has been classified as Likely Pathogenic.

Literature cited by the submitters: PubMed 16199547 (cited by Labcorp Genetics (formerly Invitae), Labcorp); PubMed 20301282 (cited by Labcorp Genetics (formerly Invitae), Labcorp).